The following is an entry in ClinVar:

NM_139057.4(ADAMTS17):c.*1546G>A

Gene: ADAMTS17 (ADAM metallopeptidase with thrombospondin type 1 motif 17; minus strand). Cytogenetic location: 15q26.3.
Variant type: single nucleotide variant.
Coding change: c.*1546G>A on transcript NM_139057.4 (MANE Select); 1546 bases downstream of the stop codon, G replaced by A.
Molecular consequence: 3 prime UTR variant.
Genome position (GRCh38, 1-based): chr15:99,972,856, C>T on the plus strand (G>A on the coding strand, the complement: ADAMTS17 is on the minus strand). VCF-style: chr15-99972856-C-T. GRCh37 (hg19) VCF-style: chr15-100513061-C-T.
Identifiers: ClinVar variation 315182 (VCV000315182.5), dbSNP rs149694490, ClinGen allele CA10646852.

ClinVar aggregate classification (germline): Likely benign (1 of 4 stars; one submission).

Conditions:
Weill-Marchesani 4 syndrome, recessive. Also called: Weill-Marchesani syndrome 4. Identifiers: Orphanet 363992, MedGen C2750787, MONDO:0013176, OMIM 613195.

Allele frequency attached by ClinVar (database versions not stated): 1000 Genomes Project 0.00200; 1000 Genomes Project 30x 0.00234; gnomAD 0.00271 and 0.00273; TOPMed 0.00299.

Submission:

Illumina Laboratory Services, Illumina
Classification: Likely benign for Weill-Marchesani 4 syndrome, recessive. Last evaluated: 2018-01-12. Review status: criteria provided, single submitter. Criteria: ICSL Variant Classification Criteria 13 December 2019. Collection method: clinical testing. Allele origin: germline.
Comment: This variant was observed in the ICSL laboratory as part of a predisposition screen in an ostensibly healthy population. It had not been previously curated by ICSL or reported in the Human Gene Mutation Database (HGMD: prior to June 1st, 2018), and was therefore a candidate for classification through an automated scoring system. Utilizing variant allele frequency, disease prevalence and penetrance estimates, and inheritance mode, an automated score was calculated to assess if this variant is too frequent to cause the disease. Based on the score and internal cut-off values, a variant classified as likely benign is not then subjected to further curation. The score for this variant resulted in a classification of likely benign for this disease.